The following is an entry in ClinVar:

ClinVar aggregate classification (germline): Pathogenic/Likely pathogenic. Review status: criteria provided, multiple submitters, no conflicts (2 of 4 stars). 2 submissions from 2 submitters: Pathogenic (1); Likely pathogenic (1). Last evaluated 2023-12-06.

Conditions:
Cerebrooculofacioskeletal syndrome 2 (COFS2). Identifiers: MedGen C1853102, MONDO:0012553, OMIM 610756.

Submissions (2):

Baylor Genetics
Classification: Likely pathogenic for Cerebrooculofacioskeletal syndrome 2. Last evaluated: 2023-12-06. Review status: criteria provided, single submitter. Criteria: ACMG Guidelines, 2015. Collection method: clinical testing. Allele origin: unknown.

Labcorp Genetics (formerly Invitae), Labcorp
Classification: Pathogenic. Last evaluated: 2023-10-13. Review status: criteria provided, single submitter. Criteria: Invitae Variant Classification Sherloc (09022015). Collection method: clinical testing. Allele origin: germline.
Comment: This sequence change results in a frameshift in the ERCC2 gene (p.Phe720Leufs*55). While this is not anticipated to result in nonsense mediated decay, it is expected to disrupt the last 41 amino acid(s) of the ERCC2 protein and extend the protein by 13 additional amino acid residues. This variant is not present in population databases (gnomAD no frequency). This variant has not been reported in the literature in individuals affected with ERCC2-related conditions. This variant disrupts a region of the ERCC2 protein in which other variant(s) (p.Arg722Trp) have been determined to be pathogenic (PMID: 31282071, 31803976). This suggests that this is a clinically significant region of the protein, and that variants that disrupt it are likely to be disease-causing. For these reasons, this variant has been classified as Pathogenic.

Literature cited by the submitters: PubMed 31282071 (cited by Labcorp Genetics (formerly Invitae), Labcorp); PubMed 31803976 (cited by Labcorp Genetics (formerly Invitae), Labcorp).

NM_000400.4(ERCC2):c.2156_2159dup (p.Phe720fs)

Gene: ERCC2 (ERCC excision repair 2, TFIIH core complex helicase subunit; minus strand). Cytogenetic location: 19q13.32.
Variant type: Duplication.
Coding change: c.2156_2159dup on transcript NM_000400.4 (MANE Select); coding-DNA positions 2156 to 2159, 4 bases duplicated (ACTT; older notation c.2156_2159dupACTT).
Protein change: p.Phe720fs; shifts the reading frame from phenylalanine 720.
Molecular consequence: frameshift variant.
Genome position (GRCh38, 1-based): chr19:45,352,240-45,352,243, AAGT duplicated on the plus strand (ACTT on the coding strand, the reverse complement: ERCC2 is on the minus strand); duplicating any 4 consecutive bases within chr19:45,352,240-45,352,244 gives the same sequence; the c. name uses the placement nearest the transcript's 3' end. VCF-style (leftmost placement, unchanged base first): chr19-45352239-G-GAAGT. GRCh37 (hg19) VCF-style: chr19-45855497-G-GAAGT.
Other names: short protein forms F720fs.
Identifiers: ClinVar variation 2765458 (VCV002765458.4), dbSNP rs2513997582, ClinGen allele CA2697552007.
Genomic context (GRCh38, chr19:45,352,239, plus strand): 5'-AGGGTGCCGGGAGGGGGACGCAGGCCTCACCCGGTGGAAGGGCTGTGCCATCTGCCGCAG[G>GAAGT]AAGTACTTGGCCACCTGGACACCCTCGTCCACGGTCAGGTTGAGGTTGGCATCTGTGAGG-3'